The following is an entry in ClinVar:

ClinVar aggregate classification (germline): Likely benign. Review status: criteria provided, multiple submitters, no conflicts (2 of 4 stars). 2 submissions from 2 submitters: Likely benign (2). Last evaluated 2023-05-31.

Conditions:
Neuronal ceroid lipofuscinosis 1 (CLN1). Also called: CEROID LIPOFUSCINOSIS, NEURONAL, 1, VARIABLE AGE AT ONSET; PPT1-Related Neuronal Ceroid-Lipofuscinosis. Identifiers: Orphanet 228329, MedGen C1850451, MONDO:0009744, OMIM 256730.

Allele frequency attached by ClinVar (database versions not stated): gnomAD exomes below 0.00001; TOPMed below 0.00001; gnomAD 0.00001.
gnomAD v4.1: 3 of 1,613,992 alleles (0.00019%); highest among the groups gnomAD compares: South Asian, 0.0022%; no homozygotes.

Submissions (2):

Labcorp Genetics (formerly Invitae), Labcorp
Classification: Likely benign for Neuronal ceroid lipofuscinosis 1. Last evaluated: 2023-05-31. Review status: criteria provided, single submitter. Criteria: Invitae Variant Classification Sherloc (09022015). Collection method: clinical testing. Allele origin: germline.

GeneDx
Classification: Likely benign. Last evaluated: 2016-04-29. Review status: criteria provided, single submitter. Criteria: GeneDx Variant Classification (06012015). Collection method: clinical testing. Allele origin: germline. Affected: yes.
Comment: This variant is considered likely benign or benign based on one or more of the following criteria: it is a conservative change, it occurs at a poorly conserved position in the protein, it is predicted to be benign by multiple in silico algorithms, and/or has population frequency not consistent with disease.

NM_000310.4(PPT1):c.43C>T (p.Leu15=)

Gene: PPT1 (palmitoyl-protein thioesterase 1; minus strand). Cytogenetic location: 1p34.2.
Variant type: single nucleotide variant.
Coding change: c.43C>T on transcript NM_000310.4 (MANE Select); coding-DNA position 43, C replaced by T.
Protein change: p.Leu15=; no amino-acid change (leucine 15 retained).
Molecular consequence: synonymous variant.
Genome position (GRCh38, 1-based): chr1:40,097,196, G>A on the plus strand (C>T on the coding strand, the complement: PPT1 is on the minus strand). VCF-style: chr1-40097196-G-A. GRCh37 (hg19) VCF-style: chr1-40562868-G-A.
Other names: c.43C>T, p.Leu15= (NM_001142604.2, NM_001363695.2).
Identifiers: ClinVar variation 385640 (VCV000385640.8), dbSNP rs1057522283, ClinGen allele CA16603668.